The following is an entry in ClinVar:

ClinVar aggregate classification (germline): Uncertain significance (1 of 4 stars; one submission).

Conditions:
Neuroblastoma, susceptibility to, 3. Also called: ALK-Related Neuroblastic Tumor Susceptibility. Identifiers: Orphanet 635, MedGen C2751681, MONDO:0013083, OMIM 613014.

Submission:

Labcorp Genetics (formerly Invitae), Labcorp
Classification: Uncertain significance for Neuroblastoma, susceptibility to, 3. Last evaluated: 2021-10-27. Review status: criteria provided, single submitter. Criteria: Invitae Variant Classification Sherloc (09022015). Collection method: clinical testing. Allele origin: germline.
Comment: This variant has not been reported in the literature in individuals affected with ALK-related conditions. In summary, the available evidence is currently insufficient to determine the role of this variant in disease. Therefore, it has been classified as a Variant of Uncertain Significance. Experimental studies and prediction algorithms are not available or were not evaluated, and the functional significance of this variant is currently unknown. This variant is not present in population databases (gnomAD no frequency). This variant, c.3392_3406del, results in the deletion of 5 amino acid(s) of the ALK protein (p.Tyr1131_Val1135del), but otherwise preserves the integrity of the reading frame.

NM_004304.5(ALK):c.3392_3406del (p.Tyr1131_Val1135del)

Gene: ALK (ALK receptor tyrosine kinase; minus strand). Cytogenetic location: 2p23.2.
Variant type: Deletion.
Coding change: c.3392_3406del on transcript NM_004304.5 (MANE Select); coding-DNA positions 3392 to 3406, 15 bases deleted (ATGAAGGCCAGGTGT).
Protein change: p.Tyr1131_Val1135del.
Molecular consequence: inframe deletion.
Genome position (GRCh38, 1-based): chr2:29,222,561-29,222,575, ACACCTGGCCTTCAT deleted on the plus strand (ATGAAGGCCAGGTGT on the coding strand, the reverse complement: ALK is on the minus strand); deleting any 15 consecutive bases within chr2:29,222,561-29,222,581 gives the same sequence; the c. name uses the placement nearest the transcript's 3' end. VCF-style (leftmost placement, unchanged base first): chr2-29222560-GACACCTGGCCTTCAT-G. GRCh37 (hg19) VCF-style: chr2-29445426-GACACCTGGCCTTCAT-G.
Other names: c.188_202del, p.Tyr63_Val67del (NM_001353765.2).
Identifiers: ClinVar variation 1489907 (VCV001489907.6), dbSNP rs2148169260, ClinGen allele CA2573134539.